The following is an entry in ClinVar:

NM_000136.3(FANCC):c.913A>G (p.Thr305Ala)

Genes: AOPEP (aminopeptidase O (putative); plus strand), FANCC (FA complementation group C; minus strand). Cytogenetic location: 9q22.32.
Variant type: single nucleotide variant.
Coding change: c.913A>G on transcript NM_000136.3 (MANE Select); coding-DNA position 913, A replaced by G.
Protein change: p.Thr305Ala; replaces threonine 305 with alanine.
Molecular consequence: missense variant.
Genome position (GRCh38, 1-based): chr9:95,125,169, T>C on the plus strand (A>G on the coding strand, the complement: FANCC is on the minus strand). VCF-style: chr9-95125169-T-C. GRCh37 (hg19) VCF-style: chr9-97887451-T-C.
Other names: c.913A>G, p.Thr305Ala (NM_001243743.2, NM_001243744.2); short protein forms T305A.
Identifiers: ClinVar variation 935695 (VCV000935695.10), dbSNP rs1397912085, ClinGen allele CA374109003.

ClinVar aggregate classification (germline): Uncertain significance. Review status: criteria provided, multiple submitters, no conflicts (2 of 4 stars). 3 submissions from 3 submitters: Uncertain significance (2). 1 of the submissions does not count toward it. Last evaluated 2023-10-09.

Conditions:
Fanconi anemia (FA). Also called: Fanconi's anemia. Identifiers: Orphanet 84, MedGen C0015625, MeSH D005199, MONDO:0019391.
Hereditary cancer-predisposing syndrome. Also called: Tumor predisposition; Hereditary neoplastic syndrome; Hereditary Cancer Syndrome; Neoplastic Syndromes, Hereditary. Identifiers: Orphanet 140162, MedGen C0027672, MeSH D009386, MONDO:0015356.

Allele frequency attached by ClinVar (database versions not stated): TOPMed below 0.00001.

Submissions (3):

Ambry Genetics
Classification: Uncertain significance for Hereditary cancer-predisposing syndrome. Last evaluated: 2023-10-09. Review status: criteria provided, single submitter. Criteria: Ambry Variant Classification Scheme 2023. Collection method: clinical testing. Allele origin: germline.
Comment: The p.T305A variant (also known as c.913A>G), located in coding exon 9 of the FANCC gene, results from an A to G substitution at nucleotide position 913. The threonine at codon 305 is replaced by alanine, an amino acid with similar properties. This amino acid position is conserved. In addition, the in silico prediction for this alteration is inconclusive. Since supporting evidence is limited at this time, the clinical significance of this alteration remains unclear.

Labcorp Genetics (formerly Invitae), Labcorp
Classification: Uncertain significance for Fanconi anemia. Last evaluated: 2021-08-24. Review status: criteria provided, single submitter. Criteria: Invitae Variant Classification Sherloc (09022015). Collection method: clinical testing. Allele origin: germline.
Comment: This sequence change replaces threonine with alanine at codon 305 of the FANCC protein (p.Thr305Ala). The threonine residue is moderately conserved and there is a small physicochemical difference between threonine and alanine. This variant is not present in population databases (ExAC no frequency). This variant has not been reported in the literature in individuals affected with FANCC-related conditions. Algorithms developed to predict the effect of missense changes on protein structure and function are either unavailable or do not agree on the potential impact of this missense change (SIFT: "Tolerated"; PolyPhen-2: "Probably Damaging"; Align-GVGD: "Class C0"). Algorithms developed to predict the effect of sequence changes on RNA splicing suggest that this variant may create or strengthen a splice site. In summary, the available evidence is currently insufficient to determine the role of this variant in disease. Therefore, it has been classified as a Variant of Uncertain Significance.

Natera, Inc.
Classification: Uncertain significance for Fanconi anemia. Last evaluated: 2020-12-09. Review status: no assertion criteria provided. Collection method: clinical testing. Allele origin: germline. Not counted in ClinVar's aggregate classification.